The following is an entry in ClinVar:

ClinVar aggregate classification (germline): Uncertain significance. Review status: criteria provided, multiple submitters, no conflicts (2 of 4 stars). 2 submissions from 2 submitters: Uncertain significance (2). Last evaluated 2023-11-02.

Conditions:
Inborn genetic diseases. Identifiers: MedGen C0950123, MeSH D030342.
Combined immunodeficiency due to LRBA deficiency. Also called: Common variable immunodeficiency 8, with autoimmunity. Identifiers: Orphanet 445018, MedGen C3553512, MONDO:0013863, OMIM 614700.

Allele frequency attached by ClinVar (database versions not stated): gnomAD 0.00003; TOPMed 0.00010.
gnomAD v4.1: 17 of 1,613,852 alleles (0.0011%); highest among the groups gnomAD compares: Admixed American, 0.017%; no homozygotes.

Submissions (2):

Ambry Genetics
Classification: Uncertain significance for Inborn genetic diseases. Last evaluated: 2023-11-02. Review status: criteria provided, single submitter. Criteria: Ambry Variant Classification Scheme 2023. Collection method: clinical testing. Allele origin: germline.

Labcorp Genetics (formerly Invitae), Labcorp
Classification: Uncertain significance for Combined immunodeficiency due to LRBA deficiency. Last evaluated: 2022-06-24. Review status: criteria provided, single submitter. Criteria: Invitae Variant Classification Sherloc (09022015). Collection method: clinical testing. Allele origin: germline.
Comment: This sequence change replaces alanine, which is neutral and non-polar, with valine, which is neutral and non-polar, at codon 2007 of the LRBA protein (p.Ala2007Val). This variant is present in population databases (no rsID available, gnomAD 0.02%). This variant has not been reported in the literature in individuals affected with LRBA-related conditions. Algorithms developed to predict the effect of missense changes on protein structure and function are either unavailable or do not agree on the potential impact of this missense change (SIFT: "Tolerated"; PolyPhen-2: "Probably Damaging"; Align-GVGD: "Class C0"). In summary, the available evidence is currently insufficient to determine the role of this variant in disease. Therefore, it has been classified as a Variant of Uncertain Significance.

NM_001364905.1(LRBA):c.6020C>T (p.Ala2007Val)

Gene: LRBA (LPS responsive beige-like anchor protein; minus strand). Cytogenetic location: 4q31.3.
Variant type: single nucleotide variant.
Coding change: c.6020C>T on transcript NM_001364905.1 (MANE Select); coding-DNA position 6020, C replaced by T.
Protein change: p.Ala2007Val; replaces alanine 2007 with valine.
Molecular consequence: missense variant.
Genome position (GRCh38, 1-based): chr4:150,599,033, G>A on the plus strand (C>T on the coding strand, the complement: LRBA is on the minus strand). VCF-style: chr4-150599033-G-A. GRCh37 (hg19) VCF-style: chr4-151520185-G-A.
Other names: c.6020C>T, p.Ala2007Val (NM_001199282.3, NM_001367550.1, NM_006726.5); short protein forms A2007V.
Identifiers: ClinVar variation 2413646 (VCV002413646.6), dbSNP rs1318451576, ClinGen allele CA358606895.